The following is an entry in ClinVar:

ClinVar aggregate classification (germline): Pathogenic/Likely pathogenic. Review status: criteria provided, multiple submitters, no conflicts (2 of 4 stars). 6 submissions from 6 submitters: Pathogenic (3); Likely pathogenic (1). 2 of the submissions do not count toward it. Last evaluated 2025-10-10.

Conditions:
Generalized epilepsy with febrile seizures plus, type 1 (GEFSP1). Also called: GEFS+, TYPE 1. Identifiers: Orphanet 36387, MedGen C1858672, MONDO:0011416, OMIM 604233.
Developmental and epileptic encephalopathy, 52 (DEE52). Also called: Epileptic encephalopathy, early infantile, 52. Identifiers: MedGen C4479236, MONDO:0033361, OMIM 617350.
Brugada syndrome 5 (BRGDA5). Identifiers: Orphanet 130, Orphanet 871, MedGen C2748541, MONDO:0013015, OMIM 612838.
Atrial fibrillation, familial, 13 (ATFB13). Identifiers: MedGen C3809311, MONDO:0014155, OMIM 615377.
SCN1B-related disorder. Also called: SCN1B-Related Disorders; SCN1B-related condition.
Cardiovascular phenotype. Identifiers: MedGen CN230736.

Allele frequency attached by ClinVar (database versions not stated): gnomAD exomes below 0.00001 and 0.00001; TOPMed 0.00001; gnomAD 0.00002; ExAC 0.00001.
gnomAD v4.1: 8 of 1,613,908 alleles (0.0005%); highest among the groups gnomAD compares: African/African-American, 0.004%; no homozygotes.

Submissions (6):

Ambry Genetics
Classification: Likely pathogenic for Cardiovascular phenotype. Last evaluated: 2025-10-10. Review status: criteria provided, single submitter. Criteria: Ambry Variant Classification Scheme 2023. Collection method: clinical testing. Allele origin: germline.
Comment: The p.R85H variant (also known as c.254G>A), located in coding exon 3 of the SCN1B gene, results from a G to A substitution at nucleotide position 254. The arginine at codon 85 is replaced by histidine, an amino acid with highly similar properties. This variant was reported in individual(s) with features consistent with atrial fibrillation (Watanabe H et al. Circ Arrhythm Electrophysiol, 2009 Jun;2:268-75). This variant has also been reported in two families and multiple individuals with presentations ranging from isolated febrile seizures to generalized epilepsy febrile seizures plus (GEFS+) and cardiac anomalies (Scheffer IE et al. Brain, 2007 Jan;130:100-9; Huo YC et al. Proc Natl Acad Sci, 2020 Feb;117:3053-3062; personal communications). This variant has been identified in the homozygous state in individual(s) with features consistent with seizure phenotype; however, cardiac clinical information was not provided (Ganapathy A. et al. Neurol. 2019 Aug;266(8):1919-1926). Another variant affecting this codon (p.R85C, c.253C>T) has been reported in association with seizure phenotype (Scheffer IE et al. Brain, 2007 Jan;130:100-9). Functional studies have suggested this variant may impact sodium channel function; however, the physiological relevance of the reported findings is unclear (Xu R et al. Neuroscience, 2007 Aug;148:164-74; Watanabe H et al. Circ Arrhythm Electrophysiol. 2009 Jun;2(3):268-75; Patino GA et al. J Neurosci, 2011 Oct;31:14577-91; Shimizu H et al. Sci Rep, 2016 May;6:26618). This amino acid position is well conserved in available vertebrate species. In addition, this alteration is predicted to be deleterious by in silico analysis. This variant is considered to be rare based on population cohorts in the Genome Aggregation Database (gnomAD) for autosomal dominant SCN1B-related epilepsy. Based on the supporting evidence, this alteration is likely pathogenic for autosomal dominant SCN1B-related epilepsy; however, the association of this alteration with autosomal recessive SCN1B-related developmental and epileptic encephalopathy and autosomal dominant Brugada syndrome is uncertain.

GeneDx
Classification: Pathogenic. Last evaluated: 2025-02-11. Review status: criteria provided, single submitter. Criteria: GeneDx Variant Classification Process June 2021. Collection method: clinical testing. Allele origin: germline. Affected: yes.
Comment: Identified in an individual with atrial fibrillation who had no neurological phenotype (PMID: 19808477); Published functional studies demonstrate a damaging effect as this variant results in a loss-of-function of the resultant channel protein (PMID: 17629415, 19808477); Not observed at significant frequency in large population cohorts (gnomAD); In silico analysis indicates that this missense variant does not alter protein structure/function; This variant is associated with the following publications: (PMID: 17604911, 19710327, 27216889, 19808477, 23838598, 31440721, 34867379, 31980526, 17020904, 28717674, 31465153, 31069529, 36684540, 17629415, 31709768, 35723786)

Labcorp Genetics (formerly Invitae), Labcorp
Classification: Pathogenic for Brugada syndrome 5. Last evaluated: 2024-07-06. Review status: criteria provided, single submitter. Criteria: Invitae Variant Classification Sherloc (09022015). Collection method: clinical testing. Allele origin: germline.
Comment: This sequence change replaces arginine, which is basic and polar, with histidine, which is basic and polar, at codon 85 of the SCN1B protein (p.Arg85His). This variant is present in population databases (rs16969925, gnomAD 0.008%). This missense change has been observed in individual(s) with clinical features of generalized epilepsy with febrile seizures plus (GEFS+) (PMID: 17020904). It has also been observed to segregate with disease in related individuals. ClinVar contains an entry for this variant (Variation ID: 60767). An algorithm developed to predict the effect of missense changes on protein structure and function (PolyPhen-2) suggests that this variant is likely to be disruptive. Experimental studies have shown that this missense change affects SCN1B function (PMID: 17629415, 19808477). For these reasons, this variant has been classified as Pathogenic.

Fulgent Genetics
Classification: Pathogenic for Generalized epilepsy with febrile seizures plus, type 1; Brugada syndrome 5; Atrial fibrillation, familial, 13; Developmental and epileptic encephalopathy, 52. Last evaluated: 2018-10-31. Review status: criteria provided, single submitter. Criteria: ACMG Guidelines, 2015. Collection method: clinical testing. Allele origin: unknown.

PreventionGenetics, part of Exact Sciences
Classification: Pathogenic for SCN1B-related condition. Last evaluated: 2023-10-24. Review status: no assertion criteria provided. Collection method: clinical testing. Allele origin: germline. Not counted in ClinVar's aggregate classification.
Comment: The SCN1B c.254G>A variant is predicted to result in the amino acid substitution p.Arg85His. This variant has been reported in the heterozygous state in at least two individuals with generalized epilepsy with febrile seizures plus (GEFS+) (Scheffer et al. 2007. PubMed ID: 17020904; Bayat et al. 2022. PubMed ID: 35723786) and one individual with atrial fibrillation and aortic stenosis without a history of seizures (Watanabe et al. 2009. PubMed ID: 19808477). It has also been reported in the homozygous state in an individual with Dravet syndrome (Ganapathy et al. 2019. PubMed ID: 31069529). Moreover, this variant was shown to strongly co-segregate with disease in at least one family (Scheffer et al. 2007. PubMed ID: 17020904) and reportedly arose de novo in another (Bayat et al. 2022. PubMed ID: 35723786). Multiple in vitro studies have demonstrated that this variant negatively impacts the ability of the SCN1B protein to modulate the function of sodium channel proteins expressed in brain and cardiac tissue (Xu et al. 2007. PubMed ID: 1762941; Watanabe et al. 2009. PubMed ID: 19808477) and disrupts SCN1B-mediated cell adhesion (Shimizu et al. 2016. PubMed ID: 27216889). This variant is reported in 0.0080% of alleles in individuals of African descent in gnomAD. Of note, another missense variant at the same amino acid position (p.Arg85Cys) has been reported as pathogenic in GEFS+ patients with functional impacts similar to the p.Arg85His variant (Scheffer et al. 2007. PubMed ID: 17020904; Xu et al. 2007. PubMed ID: 17629415). Taken together, the p.Arg85His variant is interpreted as pathogenic.

OMIM
Classification: Pathogenic for ATRIAL FIBRILLATION, FAMILIAL, 13. Last evaluated: 2009-06-01. Review status: no assertion criteria provided. Collection method: literature only. Allele origin: germline. Not counted in ClinVar's aggregate classification.

Literature cited by the submitters: PubMed 17020904 (cited by Ambry Genetics and Labcorp Genetics (formerly Invitae), Labcorp); PubMed 17629415 (cited by Ambry Genetics and Labcorp Genetics (formerly Invitae), Labcorp); PubMed 19808477 (cited by 3 submitters); PubMed 21994374 (cited by Ambry Genetics); PubMed 27216889 (cited by Ambry Genetics); PubMed 28717674 (cited by Ambry Genetics); PubMed 31069529 (cited by Ambry Genetics); PubMed 31980526 (cited by Ambry Genetics).

NM_001037.5(SCN1B):c.254G>A (p.Arg85His)

Gene: SCN1B (sodium voltage-gated channel beta subunit 1; plus strand). Cytogenetic location: 19q13.11.
Variant type: single nucleotide variant.
Coding change: c.254G>A on transcript NM_001037.5 (MANE Select); coding-DNA position 254, G replaced by A.
Protein change: p.Arg85His; replaces arginine 85 with histidine.
Molecular consequence: missense variant.
Genome position (GRCh38, 1-based): chr19:35,033,545, G>A. VCF-style: chr19-35033545-G-A. GRCh37 (hg19) VCF-style: chr19-35524449-G-A.
Other names: c.155G>A, p.Arg52His (NM_001321605.2); c.254G>A, p.Arg85His (NM_199037.5); short protein forms R85H, R52H.
Identifiers: ClinVar variation 60767 (VCV000060767.19), dbSNP rs16969925, ClinGen allele CA144661.